The following is an entry in ClinVar:

NM_005921.2(MAP3K1):c.2420A>G (p.Asn807Ser)

Gene: MAP3K1 (mitogen-activated protein kinase kinase kinase 1; plus strand). Cytogenetic location: 5q11.2.
Variant type: single nucleotide variant.
Coding change: c.2420A>G on transcript NM_005921.2 (MANE Select); coding-DNA position 2420, A replaced by G.
Protein change: p.Asn807Ser; replaces asparagine 807 with serine.
Molecular consequence: missense variant.
Genome position (GRCh38, 1-based): chr5:56,881,620, A>G. VCF-style: chr5-56881620-A-G. GRCh37 (hg19) VCF-style: chr5-56177447-A-G.
Other names: short protein forms N807S.
Identifiers: ClinVar variation 2788949 (VCV002788949.3), dbSNP rs2530952065, ClinGen allele CA359785759.
Genomic context (GRCh38, chr5:56,881,620, plus strand): 5'-TTTCTTTCAGGTATAAGAAGCTGCTGTCCCTCTTAACCTTTGCTTTGCAGTCCATTGATA[A>G]TTCCCACTCAATGGTTGGCAAACTTTCCAGAAGGATCTACTTGAGTTCTGCAAGAATGGT-3'
Protein context (NP_005912.1, residues 797-817): LLTFALQSID[Asn807Ser]SHSMVGKLSR

ClinVar aggregate classification (germline): Uncertain significance (1 of 4 stars; one submission).

Conditions:
46,XY sex reversal 6. Also called: 46,XY SEX REVERSAL, PARTIAL OR COMPLETE, MAP3K1-RELATED; 46,XY GONADAL DYSGENESIS, PARTIAL OR COMPLETE, MAP3K1-RELATED. Identifiers: MedGen C3151064, MONDO:0013410, OMIM 613762.

Allele frequency attached by ClinVar (database versions not stated): gnomAD exomes 0.00001.
gnomAD v4.1: 7 of 1,613,992 alleles (0.00043%); highest among the groups gnomAD compares: Non-Finnish European, 0.00059%; no homozygotes.

Submission:

Labcorp Genetics (formerly Invitae), Labcorp
Classification: Uncertain significance for 46,XY sex reversal 6. Last evaluated: 2023-05-27. Review status: criteria provided, single submitter. Criteria: Invitae Variant Classification Sherloc (09022015). Collection method: clinical testing. Allele origin: germline.
Comment: This sequence change replaces asparagine, which is neutral and polar, with serine, which is neutral and polar, at codon 807 of the MAP3K1 protein (p.Asn807Ser). This variant is not present in population databases (gnomAD no frequency). This variant has not been reported in the literature in individuals affected with MAP3K1-related conditions. Advanced modeling of protein sequence and biophysical properties (such as structural, functional, and spatial information, amino acid conservation, physicochemical variation, residue mobility, and thermodynamic stability) performed at Invitae indicates that this missense variant is not expected to disrupt MAP3K1 protein function. In summary, the available evidence is currently insufficient to determine the role of this variant in disease. Therefore, it has been classified as a Variant of Uncertain Significance.